The following is an entry in ClinVar:

NM_001126108.2(SLC12A3):c.1840T>C (p.Ser614Pro)

Gene: SLC12A3 (solute carrier family 12 member 3; plus strand). Cytogenetic location: 16q13.
Variant type: single nucleotide variant.
Coding change: c.1840T>C on transcript NM_001126108.2 (MANE Select); coding-DNA position 1840, T replaced by C.
Protein change: p.Ser614Pro; replaces serine 614 with proline.
Molecular consequence: missense variant.
Genome position (GRCh38, 1-based): chr16:56,885,279, T>C. VCF-style: chr16-56885279-T-C. GRCh37 (hg19) VCF-style: chr16-56919191-T-C.
Other names: c.1840T>C, p.Ser614Pro (NM_000339.3); c.1837T>C, p.Ser613Pro (NM_001126107.2, NM_001410896.1); short protein forms S613P, S614P.
Identifiers: ClinVar variation 5038076 (VCV005038076.1).
Genomic context (GRCh38, chr16:56,885,279, plus strand): 5'-GATTCCTAACTCTGCTCTCACCCCCGTTGCTCCCTTGCTCTCCCAGAGGTAAATTGGGGC[T>C]CCTCGGTACAGGCTGGCTCCTACAACCTGGCCCTCAGCTACTCGGTGGGCCTCAATGAGG-3'
Protein context (NP_001119580.2, residues 604-624): IYKKPEVNWG[Ser614Pro]SVQAGSYNLA

ClinVar aggregate classification (germline): Likely pathogenic (1 of 4 stars; one submission).

Conditions:
Familial hypokalemia-hypomagnesemia (GTLMNS). Also called: gitelman syndrome; POTASSIUM AND MAGNESIUM DEPLETION; HYPOMAGNESEMIA-HYPOKALEMIA, PRIMARY RENOTUBULAR, WITH HYPOCALCIURIA. Identifiers: Orphanet 358, MedGen C0268450, MONDO:0009904, OMIM 263800.

gnomAD v4.1: 5 of 1,552,840 alleles (0.00032%); highest among the groups gnomAD compares: Non-Finnish European, 0.00044%; no homozygotes.

Submission:

MVZ Medizinische Genetik Mainz
Classification: Likely pathogenic for Familial hypokalemia-hypomagnesemia. Last evaluated: 2024-01-15. Review status: criteria provided, single submitter. Criteria: UK Practice Guidelines For Variant Classification V4 01 2020. Collection method: clinical testing. Allele origin: germline. Inheritance: Autosomal recessive inheritance. Affected: yes. Observed: 1 variant allele.
Comment: ACMG Criteria: PP3_STR,PM3,PM2_SUP,PP4; Compound Heterozygote